The following is an entry in ClinVar:

NM_199420.4(POLQ):c.4225A>C (p.Ile1409Leu)

Gene: POLQ (DNA polymerase theta; minus strand). Cytogenetic location: 3q13.33.
Variant type: single nucleotide variant.
Coding change: c.4225A>C on transcript NM_199420.4 (MANE Select); coding-DNA position 4225, A replaced by C.
Protein change: p.Ile1409Leu; replaces isoleucine 1409 with leucine.
Molecular consequence: missense variant.
Genome position (GRCh38, 1-based): chr3:121,488,706, T>G on the plus strand (A>C on the coding strand, the complement: POLQ is on the minus strand). VCF-style: chr3-121488706-T-G. GRCh37 (hg19) VCF-style: chr3-121207553-T-G.
Other names: short protein forms I1409L.
Identifiers: ClinVar variation 1738852 (VCV001738852.2), dbSNP rs1239900236, ClinGen allele CA354095698.

ClinVar aggregate classification (germline): Uncertain significance (1 of 4 stars; one submission).

Submission:

Ambry Genetics
Classification: Uncertain significance. Last evaluated: 2022-10-11. Review status: criteria provided, single submitter. Criteria: Ambry Variant Classification Scheme 2023. Collection method: clinical testing. Allele origin: germline.
Comment: The p.I1409L variant (also known as c.4225A>C), located in coding exon 16 of the POLQ gene, results from an A to C substitution at nucleotide position 4225. The isoleucine at codon 1409 is replaced by leucine, an amino acid with highly similar properties. This amino acid position is conserved. In addition, this alteration is predicted to be tolerated by in silico analysis. Since supporting evidence is limited at this time, the clinical significance of this alteration remains unclear.